The following is an entry in ClinVar:

ClinVar aggregate classification (germline): Likely benign. Review status: criteria provided, multiple submitters, no conflicts (2 of 4 stars). 3 submissions from 3 submitters: Likely benign (3). Last evaluated 2026-09-18.

Conditions:
POT1-related disorder. Also called: POT1-related condition.
Tumor predisposition syndrome 3 (TPDS3). Also called: LONG TELOMERE SYNDROME, POT1-RELATED; POT1 Tumor Predisposition; Melanoma, cutaneous malignant, susceptibility to, 10; Glioma susceptibility 9. Identifiers: Orphanet 618, MedGen C4014476, MONDO:0014368, OMIM 615848.
Hereditary cancer-predisposing syndrome. Also called: Neoplastic Syndromes, Hereditary; Hereditary Cancer Syndrome; Tumor predisposition; Hereditary neoplastic syndrome. Identifiers: Orphanet 140162, MedGen C0027672, MeSH D009386, MONDO:0015356.

Allele frequency attached by ClinVar (database versions not stated): TOPMed below 0.00001.

Submissions (3):

PreventionGenetics, part of Exact Sciences
Classification: Likely benign for POT1-related condition. Last evaluated: 2026-09-18. Review status: criteria provided, single submitter. Criteria: ACMG Guidelines, 2015. Collection method: clinical testing. Allele origin: germline.
Comment: This variant is classified as likely benign based on ACMG/AMP sequence variant interpretation guidelines (Richards et al. 2015 PMID: 25741868, with internal and published modifications).

Labcorp Genetics (formerly Invitae), Labcorp
Classification: Likely benign for Tumor predisposition syndrome 3. Last evaluated: 2025-11-03. Review status: criteria provided, single submitter. Criteria: Invitae Variant Classification Sherloc (09022015). Collection method: clinical testing. Allele origin: germline.

Ambry Genetics
Classification: Likely benign for Hereditary cancer-predisposing syndrome. Last evaluated: 2019-06-22. Review status: criteria provided, single submitter. Criteria: Ambry Variant Classification Scheme 2023. Collection method: clinical testing. Allele origin: germline.

NM_015450.3(POT1):c.1653A>G (p.Gly551=)

Gene: POT1 (protection of telomeres 1; minus strand). Cytogenetic location: 7q31.33.
Variant type: single nucleotide variant.
Coding change: c.1653A>G on transcript NM_015450.3 (MANE Select); coding-DNA position 1653, A replaced by G.
Protein change: p.Gly551=; no amino-acid change (glycine 551 retained).
Molecular consequence: synonymous variant. On other transcripts: non-coding transcript variant (3).
Genome position (GRCh38, 1-based): chr7:124,827,247, T>C on the plus strand (A>G on the coding strand, the complement: POT1 is on the minus strand). VCF-style: chr7-124827247-T-C. GRCh37 (hg19) VCF-style: chr7-124467301-T-C.
Other names: c.1260A>G, p.Gly420= (NM_001042594.2).
Identifiers: ClinVar variation 819758 (VCV000819758.15), dbSNP rs745543835, ClinGen allele CA457469309.